The following is an entry in ClinVar:

NM_024642.5(GALNT12):c.1344+7G>A

Gene: GALNT12 (polypeptide N-acetylgalactosaminyltransferase 12; plus strand). Cytogenetic location: 9q22.33.
Variant type: single nucleotide variant.
Coding change: c.1344+7G>A on transcript NM_024642.5 (MANE Select); 7 bases into the intron after coding-DNA position 1344, G replaced by A.
Molecular consequence: intron variant.
Genome position (GRCh38, 1-based): chr9:98,840,140, G>A. VCF-style: chr9-98840140-G-A. GRCh37 (hg19) VCF-style: chr9-101602422-G-A.
Identifiers: ClinVar variation 4875731 (VCV004875731.1).

ClinVar aggregate classification (germline): Likely benign (1 of 4 stars; one submission).

Conditions:
Colorectal cancer, susceptibility to, 1. Also called: COLORECTAL ADENOMA AND CANCER, SUSCEPTIBILITY TO; COLORECTAL CANCER, SUSCEPTIBILITY TO, ON CHROMOSOME 9. Identifiers: MedGen C1837315, MONDO:0012132, OMIM 608812.

Submission:

Myriad Genetics, Inc.
Classification: Likely benign for Colorectal cancer, susceptibility to, 1. Last evaluated: 2026-04-22. Review status: criteria provided, single submitter. Criteria: Myriad Autosomal Dominant, Autosomal Recessive and X-Linked Classification Criteria (2023). Collection method: clinical testing. Allele origin: unknown.
Comment: This variant is considered likely benign. This variant is intronic and is not expected to impact mRNA splicing.